The following is an entry in ClinVar:

NM_002700.3(POU4F3):c.709_710del (p.Ser237fs)

Genes: POU4F3 (POU class 4 homeobox 3; plus strand), RBM27-POU4F3 (RBM27-POU4F3 readthrough; plus strand). Cytogenetic location: 5q32.
Variant type: Microsatellite.
Coding change: c.709_710del on transcript NM_002700.3 (MANE Select); coding-DNA positions 709 to 710, 2 bases deleted (TC; older notation c.709_710delTC).
Protein change: p.Ser237fs; shifts the reading frame from serine 237.
Molecular consequence: frameshift variant. On other transcripts: 3 prime UTR variant (1).
Genome position (GRCh38, 1-based): chr5:146,340,136-146,340,137, TC deleted; deleting any 2 consecutive bases within chr5:146,340,131-146,340,137 gives the same sequence; the c. name uses the placement nearest the transcript's 3' end. VCF-style (leftmost placement, unchanged base first): chr5-146340130-ACT-A. GRCh37 (hg19) VCF-style: chr5-145719693-ACT-A.
Other names: c.*574TC[2] (NM_001414499.1); short protein forms S237fs.
Identifiers: ClinVar variation 5037734 (VCV005037734.1).

ClinVar aggregate classification (germline): Pathogenic (1 of 4 stars; one submission).

Submission:

GeneDx
Classification: Pathogenic. Last evaluated: 2026-04-17. Review status: criteria provided, single submitter. Criteria: GeneDx Variant Classification Process June 2021. Collection method: clinical testing. Allele origin: germline.
Comment: Not observed at significant frequency in large population cohorts (gnomAD); Frameshift variant predicted to result in abnormal protein length as the last 102 amino acids are replaced with 64 different amino acids, and other similar variants have been reported in HGMD; Published functional studies suggest a damaging effect on protein function (PMID: 32390314); This variant is associated with the following publications: (PMID: 32390314)